The following is an entry in ClinVar:

NM_005733.3(KIF20A):c.1633C>G (p.Leu545Val)

Gene: KIF20A (kinesin family member 20A; plus strand). Cytogenetic location: 5q31.2.
Variant type: single nucleotide variant.
Coding change: c.1633C>G on transcript NM_005733.3 (MANE Select); coding-DNA position 1633, C replaced by G.
Protein change: p.Leu545Val; replaces leucine 545 with valine.
Molecular consequence: missense variant.
Genome position (GRCh38, 1-based): chr5:138,184,626, C>G. VCF-style: chr5-138184626-C-G. GRCh37 (hg19) VCF-style: chr5-137520315-C-G.
Other names: c.1633C>G (NM_005733.2); short protein forms L545V.
Identifiers: ClinVar variation 2142371 (VCV002142371.5), dbSNP rs1018610890, ClinGen allele CA128186332.

ClinVar aggregate classification (germline): Uncertain significance. Review status: criteria provided, multiple submitters, no conflicts (2 of 4 stars). 2 submissions from 2 submitters: Uncertain significance (2). Last evaluated 2025-10-21.

Allele frequency attached by ClinVar (database versions not stated): gnomAD exomes below 0.00001; gnomAD 0.00002; TOPMed 0.00007.
gnomAD v4.1: 9 of 1,613,964 alleles (0.00056%); highest among the groups gnomAD compares: African/African-American, 0.011%; no homozygotes.

Submissions (2):

Ambry Genetics
Classification: Uncertain significance. Last evaluated: 2025-10-21. Review status: criteria provided, single submitter. Criteria: Ambry Variant Classification Scheme 2023. Collection method: clinical testing. Allele origin: germline.

Labcorp Genetics (formerly Invitae), Labcorp
Classification: Uncertain significance. Last evaluated: 2025-07-29. Review status: criteria provided, single submitter. Criteria: Invitae Variant Classification Sherloc (09022015). Collection method: clinical testing. Allele origin: germline.
Comment: This sequence change replaces leucine, which is neutral and non-polar, with valine, which is neutral and non-polar, at codon 545 of the KIF20A protein (p.Leu545Val). This variant is present in population databases (no rsID available, gnomAD 0.007%). This variant has not been reported in the literature in individuals affected with KIF20A-related conditions. ClinVar contains an entry for this variant (Variation ID: 2142371). An algorithm developed to predict the effect of missense changes on protein structure and function (PolyPhen-2) suggests that this variant is likely to be tolerated. In summary, the available evidence is currently insufficient to determine the role of this variant in disease. Therefore, it has been classified as a Variant of Uncertain Significance.